The following is an entry in ClinVar:

NM_001256317.3(TMPRSS3):c.367G>T (p.Ala123Ser)

Gene: TMPRSS3 (transmembrane serine protease 3; minus strand). Cytogenetic location: 21q22.3.
Variant type: single nucleotide variant.
Coding change: c.367G>T on transcript NM_001256317.3 (MANE Select); coding-DNA position 367, G replaced by T.
Protein change: p.Ala123Ser; replaces alanine 123 with serine.
Molecular consequence: missense variant. On other transcripts: 5 prime UTR variant (1).
Genome position (GRCh38, 1-based): chr21:42,388,482, C>A on the plus strand (G>T on the coding strand, the complement: TMPRSS3 is on the minus strand). VCF-style: chr21-42388482-C-A. GRCh37 (hg19) VCF-style: chr21-43808591-C-A.
Other names: c.367G>T, p.Ala123Ser (NM_024022.4, NM_032405.2); c.-15G>T (NM_032404.3); short protein forms A123S.
Identifiers: ClinVar variation 3602513 (VCV003602513.1).
Genomic context (GRCh38, chr21:42,388,482, plus strand): 5'-CACAGGCAACATTTGCGTAGTGACCCTTCCAGTCATCGGAGCACATGGTCTTCCACGAAG[C>A]AGCTGTGAACACCTGGAGCACGGCATTCTGACCACCCACCCGGACTGGCCGATGTGCAGA-3'
Protein context (NP_001243246.1, residues 113-133): QNAVLQVFTA[Ala123Ser]SWKTMCSDDW

ClinVar aggregate classification (germline): Uncertain significance (1 of 4 stars; one submission).

Submission:

GeneDx
Classification: Uncertain significance. Last evaluated: 2024-08-02. Review status: criteria provided, single submitter. Criteria: GeneDx Variant Classification Process June 2021. Collection method: clinical testing. Allele origin: germline. Affected: yes.
Comment: Not observed at significant frequency in large population cohorts (gnomAD); In silico analysis indicates that this missense variant does not alter protein structure/function; Has not been previously published as pathogenic or benign to our knowledge